The following is an entry in ClinVar:

ClinVar aggregate classification (germline): Likely benign (1 of 4 stars; one submission).

Submission:

CeGaT Center for Human Genetics Tuebingen
Classification: Likely benign. Last evaluated: 2023-12-01. Review status: criteria provided, single submitter. Criteria: CeGaT Center For Human Genetics Tuebingen Variant Classification Criteria Version 2. Collection method: clinical testing. Allele origin: germline. Affected: yes. Observed: 1 variant allele.
Comment: FLNB: BP4, BP7

NM_001457.4(FLNB):c.3693C>A (p.Ile1231=)

Gene: FLNB (filamin B; plus strand). Cytogenetic location: 3p14.3.
Variant type: single nucleotide variant.
Coding change: c.3693C>A on transcript NM_001457.4 (MANE Select); coding-DNA position 3693, C replaced by A.
Protein change: p.Ile1231=; no amino-acid change (isoleucine 1231 retained).
Molecular consequence: synonymous variant.
Genome position (GRCh38, 1-based): chr3:58,123,659, C>A. VCF-style: chr3-58123659-C-A. GRCh37 (hg19) VCF-style: chr3-58109386-C-A.
Other names: c.3693C>A, p.Ile1231= (NM_001164317.2, NM_001164318.2, NM_001164319.2).
Identifiers: ClinVar variation 3025432 (VCV003025432.22), dbSNP rs778121912, ClinGen allele CA434037992.